The following is an entry in ClinVar:

ClinVar aggregate classification (germline): Pathogenic/Likely pathogenic. Review status: criteria provided, multiple submitters, no conflicts (2 of 4 stars). 2 submissions from 2 submitters: Pathogenic (1); Likely pathogenic (1). Last evaluated 2023-10-23.

Conditions:
Heimler syndrome 2 (HMLR2). Also called: PEROXISOME BIOGENESIS DISORDER 4C. Identifiers: Orphanet 3220, MedGen C4225267, OMIM 616617, MONDO:0014709.
Peroxisome biogenesis disorder. Identifiers: Orphanet 79189, MedGen C1832200, MONDO:0019234. Disease mechanism: loss of function.

Submissions (2):

Labcorp Genetics (formerly Invitae), Labcorp
Classification: Pathogenic for Peroxisome biogenesis disorder. Last evaluated: 2023-10-23. Review status: criteria provided, single submitter. Criteria: Invitae Variant Classification Sherloc (09022015). Collection method: clinical testing. Allele origin: germline.
Comment: This sequence change creates a premature translational stop signal (p.Gln346*) in the PEX6 gene. It is expected to result in an absent or disrupted protein product. Loss-of-function variants in PEX6 are known to be pathogenic (PMID: 10408779, 21031596, 31831025). This variant is not present in population databases (gnomAD no frequency). This variant has not been reported in the literature in individuals affected with PEX6-related conditions. Algorithms developed to predict the effect of sequence changes on RNA splicing suggest that this variant may disrupt the consensus splice site. For these reasons, this variant has been classified as Pathogenic.

Baylor Genetics
Classification: Likely pathogenic for Heimler syndrome 2. Last evaluated: 2023-02-09. Review status: criteria provided, single submitter. Criteria: ACMG Guidelines, 2015. Collection method: clinical testing. Allele origin: unknown.

Literature cited by the submitters: PubMed 10408779 (cited by Labcorp Genetics (formerly Invitae), Labcorp); PubMed 21031596 (cited by Labcorp Genetics (formerly Invitae), Labcorp); PubMed 31831025 (cited by Labcorp Genetics (formerly Invitae), Labcorp).

NM_000287.4(PEX6):c.1036C>T (p.Gln346Ter)

Gene: PEX6 (peroxisomal biogenesis factor 6; minus strand). Cytogenetic location: 6p21.1.
Variant type: single nucleotide variant.
Coding change: c.1036C>T on transcript NM_000287.4 (MANE Select); coding-DNA position 1036, C replaced by T.
Protein change: p.Gln346Ter; replaces glutamine 346 with a stop codon.
Molecular consequence: nonsense. On other transcripts: non-coding transcript variant (1).
Genome position (GRCh38, 1-based): chr6:42,974,885, G>A on the plus strand (C>T on the coding strand, the complement: PEX6 is on the minus strand). VCF-style: chr6-42974885-G-A. GRCh37 (hg19) VCF-style: chr6-42942623-G-A.
Other names: c.772C>T, p.Gln258Ter (NM_001316313.2); short protein forms Q258*, Q346*.
Identifiers: ClinVar variation 2677708 (VCV002677708.4), dbSNP rs2481257723, ClinGen allele CA364159382.